The following is an entry in ClinVar:

NM_000168.6(GLI3):c.368-459_473+494del

Gene: GLI3 (GLI family zinc finger 3; minus strand). Cytogenetic location: 7p14.1.
Variant type: Deletion.
Coding change: c.368-459_473+494del on transcript NM_000168.6 (MANE Select); 459 bases into the intron before coding-DNA position 368 through 494 bases into the intron after coding-DNA position 473, 1,059 bases deleted.
Molecular consequence: splice acceptor variant, splice donor variant.
Genome position (GRCh38, 1-based): chr7:42,076,258-42,077,316, 1,059 bases deleted. GRCh37 (hg19): chr7:42,115,857-42,116,915.
Identifiers: ClinVar variation 1177290 (VCV001177290.1), ClinGen allele CA2499218891.

ClinVar aggregate classification (germline): Pathogenic (1 of 4 stars; one submission).

Conditions:
Craniosynostosis syndrome. Also called: Craniosynostosis. Identifiers: Orphanet 1531, MedGen C0010278, MeSH D003398, MONDO:0015469, HP:0001363.

Submission:

Seattle Children's Hospital Molecular Genetics Laboratory, Seattle Children's Hospital
Classification: Pathogenic for Craniosynostosis syndrome. Last evaluated: 2021-07-06. Review status: criteria provided, single submitter. Criteria: ACMG Guidelines, 2015. Collection method: clinical testing. Allele origin: germline. Inheritance: Autosomal dominant inheritance. Affected: yes.
Comment: Exon-level array analysis identified a 1,058 base (1 Kb) deletion within the GLI3 gene. The deleted region encompasses exon 4 (of 15 total exons), which is N-terminal to the central zinc-finger domain (NM_000168.5). This deletion is predicted to alter the reading frame and result in a loss of gene function.

Literature cited by the submitters: NCBI Bookshelf 1446; NCBI Bookshelf 1465; PubMed 24736735; PubMed 21326280; PubMed 22903559.